The following is an entry in ClinVar:

NM_000081.4(LYST):c.9338A>G (p.Asn3113Ser)

Gene: LYST (lysosomal trafficking regulator; minus strand). Cytogenetic location: 1q42.3.
Variant type: single nucleotide variant.
Coding change: c.9338A>G on transcript NM_000081.4 (MANE Select); coding-DNA position 9338, A replaced by G.
Protein change: p.Asn3113Ser; replaces asparagine 3113 with serine.
Molecular consequence: missense variant.
Genome position (GRCh38, 1-based): chr1:235,720,883, T>C on the plus strand (A>G on the coding strand, the complement: LYST is on the minus strand). VCF-style: chr1-235720883-T-C. GRCh37 (hg19) VCF-style: chr1-235884183-T-C.
Other names: c.9338A>G (NM_000081.2); c.9338A>G, p.Asn3113Ser (NM_001301365.1); short protein forms N3113S.
Identifiers: ClinVar variation 1045898 (VCV001045898.6), dbSNP rs762146710, ClinGen allele CA1465604.

ClinVar aggregate classification (germline): Conflicting classifications of pathogenicity. Review status: criteria provided, conflicting classifications (1 of 4 stars). 3 submissions from 3 submitters: Uncertain significance (2); Likely benign (1). Last evaluated 2025-09-26.

Conditions:
Chédiak-Higashi syndrome (CHS). Also called: Chediak-Higashi Syndrome. Identifiers: Orphanet 167, MedGen C0007965, MONDO:0008963, OMIM 214500.
Inborn genetic diseases. Identifiers: MedGen C0950123, MeSH D030342.

Allele frequency attached by ClinVar (database versions not stated): gnomAD 0.00001; TOPMed 0.00001; ExAC 0.00002; gnomAD exomes 0.00002.
gnomAD v4.1: 32 of 1,613,596 alleles (0.002%); highest among the groups gnomAD compares: East Asian, 0.0045%; no homozygotes.

Submissions (3):

Ambry Genetics
Classification: Likely benign for Inborn genetic diseases. Last evaluated: 2025-09-26. Review status: criteria provided, single submitter. Criteria: Ambry Variant Classification Scheme 2023. Collection method: clinical testing. Allele origin: germline.

Labcorp Genetics (formerly Invitae), Labcorp
Classification: Uncertain significance for Chédiak-Higashi syndrome. Last evaluated: 2022-09-16. Review status: criteria provided, single submitter. Criteria: Invitae Variant Classification Sherloc (09022015). Collection method: clinical testing. Allele origin: germline.
Comment: This sequence change replaces asparagine, which is neutral and polar, with serine, which is neutral and polar, at codon 3113 of the LYST protein (p.Asn3113Ser). This variant is present in population databases (rs762146710, gnomAD 0.02%). This variant has not been reported in the literature in individuals affected with LYST-related conditions. ClinVar contains an entry for this variant (Variation ID: 1045898). Advanced modeling of protein sequence and biophysical properties (such as structural, functional, and spatial information, amino acid conservation, physicochemical variation, residue mobility, and thermodynamic stability) performed at Invitae indicates that this missense variant is not expected to disrupt LYST protein function. Algorithms developed to predict the effect of sequence changes on RNA splicing suggest that this variant may create or strengthen a splice site. In summary, the available evidence is currently insufficient to determine the role of this variant in disease. Therefore, it has been classified as a Variant of Uncertain Significance.

Revvity Omics, Revvity
Classification: Uncertain significance for Chédiak-Higashi syndrome. Last evaluated: 2019-08-31. Review status: criteria provided, single submitter. Criteria: ACMG Guidelines, 2015. Collection method: clinical testing. Allele origin: germline.